The following is an entry in ClinVar:

ClinVar aggregate classification (germline): Uncertain significance. Review status: criteria provided, multiple submitters, no conflicts (2 of 4 stars). 2 submissions from 2 submitters: Uncertain significance (2). Last evaluated 2025-03-27.

Conditions:
Hereditary cancer-predisposing syndrome. Also called: Tumor predisposition; Hereditary Cancer Syndrome; Hereditary neoplastic syndrome; Neoplastic Syndromes, Hereditary. Identifiers: Orphanet 140162, MedGen C0027672, MeSH D009386, MONDO:0015356.
Familial adenomatous polyposis 1 (FAP1). Also called: FAMILIAL ADENOMATOUS POLYPOSIS 1, ATTENUATED; POLYPOSIS, ADENOMATOUS INTESTINAL. Identifiers: MedGen C2713442, MONDO:0021056, OMIM 175100. Disease mechanism: loss of function.

gnomAD v4.1: 1 of 1,613,958 alleles (0.000062%); highest among the groups gnomAD compares: Non-Finnish European, 0.000085%; no homozygotes.

Submissions (2):

Ambry Genetics
Classification: Uncertain significance for Hereditary cancer-predisposing syndrome. Last evaluated: 2025-03-27. Review status: criteria provided, single submitter. Criteria: Ambry Variant Classification Scheme 2023. Collection method: clinical testing. Allele origin: germline.
Comment: The p.S2295L variant (also known as c.6884C>T), located in coding exon 15 of the APC gene, results from a C to T substitution at nucleotide position 6884. The serine at codon 2295 is replaced by leucine, an amino acid with dissimilar properties. This amino acid position is not well conserved in available vertebrate species. In addition, in silico predictors for this gene do not accurately predict pathogenicity. Missense alterations in APC are not a common cause of disease (Spier I et al. Genet Med. 2024 Feb;26(2):100992). Based on the available evidence, the clinical significance of this variant remains unclear.

Labcorp Genetics (formerly Invitae), Labcorp
Classification: Uncertain significance for Familial adenomatous polyposis 1. Last evaluated: 2021-04-11. Review status: criteria provided, single submitter. Criteria: Invitae Variant Classification Sherloc (09022015). Collection method: clinical testing. Allele origin: germline.
Comment: This sequence change replaces serine with leucine at codon 2295 of the APC protein (p.Ser2295Leu). The serine residue is highly conserved and there is a large physicochemical difference between serine and leucine. This variant is not present in population databases (ExAC no frequency). In summary, the available evidence is currently insufficient to determine the role of this variant in disease. Therefore, it has been classified as a Variant of Uncertain Significance. Algorithms developed to predict the effect of missense changes on protein structure and function are either unavailable or do not agree on the potential impact of this missense change (SIFT: "Deleterious"; PolyPhen-2: "Possibly Damaging"; Align-GVGD: "Class C0"). This variant has not been reported in the literature in individuals with APC-related conditions.

NM_000038.6(APC):c.6884C>T (p.Ser2295Leu)

Gene: APC (APC regulator of Wnt signaling pathway; plus strand). Cytogenetic location: 5q22.2.
Variant type: single nucleotide variant.
Coding change: c.6884C>T on transcript NM_000038.6 (MANE Select); coding-DNA position 6884, C replaced by T.
Protein change: p.Ser2295Leu; replaces serine 2295 with leucine.
Molecular consequence: missense variant.
Genome position (GRCh38, 1-based): chr5:112,842,478, C>T. VCF-style: chr5-112842478-C-T. GRCh37 (hg19) VCF-style: chr5-112178175-C-T.
Other names: c.6884C>T, p.Ser2295Leu (NM_001127510.3, NM_001354895.2); c.6830C>T, p.Ser2277Leu (NM_001127511.3); c.6938C>T, p.Ser2313Leu (NM_001354896.2); c.6914C>T, p.Ser2305Leu (NM_001354897.2); c.6809C>T, p.Ser2270Leu (NM_001354898.2); c.6800C>T, p.Ser2267Leu (NM_001354899.2); c.6761C>T, p.Ser2254Leu (NM_001354900.2); c.6707C>T, p.Ser2236Leu (NM_001354901.2); and 5 more; short protein forms S2135L, S2169L, S2277L, S2270L, S2313L, S2012L, S2194L, S2204L.
Identifiers: ClinVar variation 1481833 (VCV001481833.11), dbSNP rs2149975432, ClinGen allele CA16036355.